The following is an entry in ClinVar:

NM_004699.4(FAM50A):c.432G>T (p.Met144Ile)

Gene: FAM50A (family with sequence similarity 50 member A; plus strand). Cytogenetic location: Xq28.
Variant type: single nucleotide variant.
Coding change: c.432G>T on transcript NM_004699.4 (MANE Select); coding-DNA position 432, G replaced by T.
Protein change: p.Met144Ile; replaces methionine 144 with isoleucine.
Molecular consequence: missense variant.
Genome position (GRCh38, 1-based): chrX:154,446,550, G>T. VCF-style: chrX-154446550-G-T. GRCh37 (hg19) VCF-style: chrX-153674898-G-T.
Other names: short protein forms M144I.
Identifiers: ClinVar variation 5020917 (VCV005020917.1).

ClinVar aggregate classification (germline): Uncertain significance (1 of 4 stars; one submission).

Submission:

Dasa
Classification: Uncertain significance. Last evaluated: 2025-07-08. Review status: criteria provided, single submitter. Criteria: DASA Assertion Criteria. Collection method: clinical testing. Allele origin: germline.
Comment: NM_004699.4(FAM50A):c.432G>T (p.Met144Ile) is a missense variant that results in the substitution of methionine with isoleucine. This variant is absent from population databases. Computational prediction algorithms are consistent with a benign effect. The currently available literature and clinical evidence are not sufficient to establish a definitive association between this variant and the reported condition. Therefore, this variant is classified as a variant of uncertain significance.